The following is an entry in ClinVar:

NM_015311.3(OBSL1):c.3683G>A (p.Arg1228Gln)

Gene: OBSL1 (obscurin like cytoskeletal adaptor 1; minus strand). Cytogenetic location: 2q35.
Variant type: single nucleotide variant.
Coding change: c.3683G>A on transcript NM_015311.3 (MANE Select); coding-DNA position 3683, G replaced by A.
Protein change: p.Arg1228Gln; replaces arginine 1228 with glutamine.
Molecular consequence: missense variant.
Genome position (GRCh38, 1-based): chr2:219,557,930, C>T on the plus strand (G>A on the coding strand, the complement: OBSL1 is on the minus strand). VCF-style: chr2-219557930-C-T. GRCh37 (hg19) VCF-style: chr2-220422652-C-T.
Other names: c.3683G>A, p.Arg1228Gln (NM_001173431.2); short protein forms R1228Q.
Identifiers: ClinVar variation 1444706 (VCV001444706.8), dbSNP rs374527702, ClinGen allele CA2130781.

ClinVar aggregate classification (germline): Uncertain significance (1 of 4 stars; one submission).

Allele frequency attached by ClinVar (database versions not stated): gnomAD exomes 0.00001 and 0.00003; ExAC 0.00003; gnomAD 0.00003 and 0.00004; TOPMed 0.00005; ESP Exome Variant Server 0.00008.
gnomAD v4.1: 23 of 1,604,688 alleles (0.0014%); highest among the groups gnomAD compares: East Asian, 0.0067%; no homozygotes.

Submission:

Labcorp Genetics (formerly Invitae), Labcorp
Classification: Uncertain significance. Last evaluated: 2022-04-09. Review status: criteria provided, single submitter. Criteria: Invitae Variant Classification Sherloc (09022015). Collection method: clinical testing. Allele origin: germline.
Comment: In summary, the available evidence is currently insufficient to determine the role of this variant in disease. Therefore, it has been classified as a Variant of Uncertain Significance. Algorithms developed to predict the effect of missense changes on protein structure and function are either unavailable or do not agree on the potential impact of this missense change (SIFT: "Tolerated"; PolyPhen-2: "Possibly Damaging"; Align-GVGD: "Class C0"). This variant has not been reported in the literature in individuals affected with OBSL1-related conditions. This variant is present in population databases (rs374527702, gnomAD 0.01%). This sequence change replaces arginine, which is basic and polar, with glutamine, which is neutral and polar, at codon 1228 of the OBSL1 protein (p.Arg1228Gln).